The following is an entry in ClinVar:

ClinVar aggregate classification (germline): Uncertain significance (1 of 4 stars; one submission).

Submission:

Labcorp Genetics (formerly Invitae), Labcorp
Classification: Uncertain significance. Last evaluated: 2022-08-22. Review status: criteria provided, single submitter. Criteria: Invitae Variant Classification Sherloc (09022015). Collection method: clinical testing. Allele origin: germline.
Comment: In summary, the available evidence is currently insufficient to determine the role of this variant in disease. Therefore, it has been classified as a Variant of Uncertain Significance. Algorithms developed to predict the effect of missense changes on protein structure and function are either unavailable or do not agree on the potential impact of this missense change (SIFT: "Deleterious"; PolyPhen-2: "Benign"; Align-GVGD: "Class C0"). This variant has not been reported in the literature in individuals affected with CCDC88A-related conditions. This variant is not present in population databases (gnomAD no frequency). This sequence change replaces glutamic acid, which is acidic and polar, with alanine, which is neutral and non-polar, at codon 735 of the CCDC88A protein (p.Glu735Ala).

NM_001365480.1(CCDC88A):c.2204A>C (p.Glu735Ala)

Gene: CCDC88A (coiled-coil and HOOK domain protein 88A; minus strand). Cytogenetic location: 2p16.1.
Variant type: single nucleotide variant.
Coding change: c.2204A>C on transcript NM_001365480.1 (MANE Select); coding-DNA position 2204, A replaced by C.
Protein change: p.Glu735Ala; replaces glutamic acid 735 with alanine.
Molecular consequence: missense variant.
Genome position (GRCh38, 1-based): chr2:55,334,617, T>G on the plus strand (A>C on the coding strand, the complement: CCDC88A is on the minus strand). VCF-style: chr2-55334617-T-G. GRCh37 (hg19) VCF-style: chr2-55561753-T-G.
Other names: c.2204A>C, p.Glu735Ala (NM_001135597.2, NM_001254943.2, NM_018084.5); short protein forms E735A.
Identifiers: ClinVar variation 2117678 (VCV002117678.4), dbSNP rs1685276356, ClinGen allele CA346900441.